The following is an entry in ClinVar:

NM_000132.4(F8):c.1180del (p.Ala394fs)

Gene: F8 (coagulation factor VIII; minus strand). Cytogenetic location: Xq28.
Variant type: Deletion.
Coding change: c.1180del on transcript NM_000132.4 (MANE Select); coding-DNA position 1180, one base deleted (G; older notation c.1180delG).
Protein change: p.Ala394fs; shifts the reading frame from alanine 394.
Molecular consequence: frameshift variant.
Genome position (GRCh38, 1-based): chrX:154,966,517, C deleted on the plus strand (G on the coding strand, the reverse complement: F8 is on the minus strand). VCF-style (leftmost placement, unchanged base first): chrX-154966516-GC-G. GRCh37 (hg19) VCF-style: chrX-154194791-GC-G.
Other names: short protein forms A394fs.
Identifiers: ClinVar variation 2444263 (VCV002444263.1), dbSNP rs2523951206, ClinGen allele CA2580101790.
Genomic context (GRCh38, chrX:154,966,516, plus strand): 5'-TAGTCCCAGTCCTCCTCTTCAGCAGCAATGTAATGTACCCAAGTTTTAGGATGCTTCTTG[GC>G]AACTGAGCGAATTTGGATAAAGGAAGGAGAGTTGTCATCATCAAACCTGACCACATCCAT-3'

ClinVar aggregate classification (germline): Likely pathogenic (1 of 4 stars; one submission).

Conditions:
Hereditary factor VIII deficiency disease (HEMA). Also called: Hemophilia A, congenital; HEM A; Factor 8 deficiency, congenital; HEMOPHILIA, CLASSIC; AUTOSOMAL HEMOPHILIA A; Hemophilia A. Identifiers: Orphanet 98878, MedGen C0019069, MONDO:0010602, OMIM 306700.

Submission:

3billion
Classification: Likely pathogenic for Hereditary factor VIII deficiency disease. Last evaluated: 2023-02-23. Review status: criteria provided, single submitter. Criteria: ACMG Guidelines, 2015. Collection method: clinical testing. Allele origin: unknown. Affected: yes.
Comment: The variant is not observed in the gnomAD v2.1.1 dataset. This variant was predicted to result in a loss or disruption of normal protein function through nonsense-mediated decay (NMD) or protein truncation. Multiple pathogenic variants are reported downstream of the variant. Therefore, this variant is classified as Likely pathogenic according to the recommendation of ACMG/AMP guideline.